The following is an entry in ClinVar:

NM_001130987.2(DYSF):c.3113C>T (p.Pro1038Leu)

Gene: DYSF (dysferlin; plus strand). Cytogenetic location: 2p13.2.
Variant type: single nucleotide variant.
Coding change: c.3113C>T on transcript NM_001130987.2 (MANE Select); coding-DNA position 3113, C replaced by T.
Protein change: p.Pro1038Leu; replaces proline 1038 with leucine.
Molecular consequence: missense variant.
Genome position (GRCh38, 1-based): chr2:71,570,626, C>T. VCF-style: chr2-71570626-C-T. GRCh37 (hg19) VCF-style: chr2-71797756-C-T.
Other names: c.3062C>T, p.Pro1021Leu (NM_001130455.2, NM_001130983.2); c.3017C>T, p.Pro1006Leu (NM_001130976.2, NM_001130977.2); c.3059C>T, p.Pro1020Leu (NM_001130978.2, NM_003494.4); c.3152C>T, p.Pro1051Leu (NM_001130979.2); c.3110C>T, p.Pro1037Leu (NM_001130980.2, NM_001130981.2); c.3155C>T, p.Pro1052Leu (NM_001130982.2); c.3020C>T, p.Pro1007Leu (NM_001130984.2, NM_001130986.2); c.3113C>T, p.Pro1038Leu (NM_001130985.2); short protein forms P1020L, P1038L, P1021L, P1051L, P1052L, P1006L, P1007L, P1037L.
Identifiers: ClinVar variation 284003 (VCV000284003.20), dbSNP rs764931697, ClinGen allele CA1706432.

ClinVar aggregate classification (germline): Conflicting classifications of pathogenicity. Review status: criteria provided, conflicting classifications (1 of 4 stars). 9 submissions from 9 submitters: Uncertain significance (5); Benign (1); Likely benign (1). 2 of the submissions do not count toward it. Last evaluated 2026-06-05.

Conditions:
DYSF-related disorder. Also called: DYSF-related condition; DYSF-related disorders.
Distal myopathy with anterior tibial onset. Identifiers: Orphanet 178400, MedGen C1847532, MONDO:0011721, OMIM 606768.
Miyoshi muscular dystrophy 1 (MMD1). Identifiers: Orphanet 45448, MedGen C4551973, MONDO:0024545, OMIM 254130.
Autosomal recessive limb-girdle muscular dystrophy type 2B (LGMDR2). Also called: Limb-Girdle Muscular Dystrophy Type 2B (LGMD2B); Limb-girdle muscular dystrophy, type 2B; MUSCULAR DYSTROPHY, LIMB-GIRDLE, TYPE 3; MUSCULAR DYSTROPHY, LIMB-GIRDLE, AUTOSOMAL RECESSIVE 2. Identifiers: Orphanet 268, MedGen C1850889, MONDO:0009676, OMIM 253601.
Neuromuscular disease caused by qualitative or quantitative defects of dysferlin. Also called: Dysferlinopathy; Qualitative or quantitative defects of dysferlin. Identifiers: Orphanet 207073, MedGen C2931687, MONDO:0016145.

Allele frequency attached by ClinVar (database versions not stated): gnomAD 0.00003 and 0.00004; TOPMed 0.00006; ExAC 0.00010; gnomAD exomes 0.00012.
gnomAD v4.1: 50 of 1,613,930 alleles (0.0031%); highest among the groups gnomAD compares: Admixed American, 0.047%; no homozygotes.

Submissions (9):

PreventionGenetics, part of Exact Sciences
Classification: Uncertain significance for DYSF-related condition. Last evaluated: 2026-06-05. Review status: criteria provided, single submitter. Criteria: ACMG Guidelines, 2015. Collection method: clinical testing. Allele origin: germline.
Comment: The DYSF c.3059C>T variant is predicted to result in the amino acid substitution p.Pro1020Leu. This variant has been reported along with a second causative DYSF variant in an individual with clinical features of limb-girdle muscular dystrophy (LGMD) (Jin et al. 2016. PubMed ID: 27647186). This variant is reported in 0.075% of alleles in individuals of Latino descent in gnomAD and has conflicting classifications in ClinVar ranging from benign to uncertain (Variation ID: 284003). At this time, the clinical significance of this variant is uncertain due to the absence of conclusive functional and genetic evidence.

GeneDx
Classification: Uncertain significance. Last evaluated: 2026-01-01. Review status: criteria provided, single submitter. Criteria: GeneDx Variant Classification Process June 2021. Collection method: clinical testing. Allele origin: germline. Affected: yes.
Comment: Observed with a second DYSF variant in a patient with limb-girdle muscular dystrophy but it is not known whether the variants occurred on the same (in cis) or on different (in trans) chromosomes (PMID: 27647186); In silico analysis supports that this missense variant has a deleterious effect on protein structure/function; This variant is associated with the following publications: (PMID: 34426522, 24438169, 35982159, 33057194, 34559919, 27647186, 39678382)

Labcorp Genetics (formerly Invitae), Labcorp
Classification: Benign for Neuromuscular disease caused by qualitative or quantitative defects of dysferlin. Last evaluated: 2025-12-30. Review status: criteria provided, single submitter. Criteria: Invitae Variant Classification Sherloc (09022015). Collection method: clinical testing. Allele origin: germline.

Blueprint Genetics
Classification: Likely benign. Last evaluated: 2024-11-25. Review status: criteria provided, single submitter. Criteria: ACMG Guidelines, 2015. Collection method: clinical testing. Allele origin: germline.

Revvity Omics, Revvity
Classification: Uncertain significance. Last evaluated: 2022-04-20. Review status: criteria provided, single submitter. Criteria: ACMG Guidelines, 2015. Collection method: clinical testing. Allele origin: germline.

Fulgent Genetics
Classification: Uncertain significance for Autosomal recessive limb-girdle muscular dystrophy type 2B; Miyoshi muscular dystrophy 1; Distal myopathy with anterior tibial onset. Last evaluated: 2021-08-26. Review status: criteria provided, single submitter. Criteria: ACMG Guidelines, 2015. Collection method: clinical testing. Allele origin: unknown.

Eurofins Ntd Llc (ga)
Classification: Uncertain significance. Last evaluated: 2015-10-26. Review status: criteria provided, single submitter. Criteria: EGL Classification Definitions 2015. Collection method: clinical testing. Allele origin: germline. Observed: 2 variant alleles, 2 heterozygotes.

Natera, Inc.
Classification: Uncertain significance for Limb-girdle muscular dystrophy type 2B. Last evaluated: 2020-09-16. Review status: no assertion criteria provided. Collection method: clinical testing. Allele origin: germline. Not counted in ClinVar's aggregate classification.

Counsyl
Classification: Uncertain significance for Autosomal recessive limb-girdle muscular dystrophy type 2B. Last evaluated: 2017-03-31. Review status: no assertion criteria provided. Collection method: clinical testing. Allele origin: unknown. Not counted in ClinVar's aggregate classification.

Literature cited by the submitters: PubMed 27647186 (cited by Counsyl).